The following is an entry in ClinVar:

ClinVar aggregate classification (germline): Uncertain significance (1 of 4 stars; one submission).

Conditions:
VAPB-related disorder. Also called: VAPB-related condition.

gnomAD v4.1: 4 of 1,605,262 alleles (0.00025%); highest among the groups gnomAD compares: Non-Finnish European, 0.00034%; no homozygotes.

Submission:

PreventionGenetics, part of Exact Sciences
Classification: Uncertain significance for VAPB-related condition. Last evaluated: 2025-10-26. Review status: criteria provided, single submitter. Criteria: ACMG Guidelines, 2015. Collection method: clinical testing. Allele origin: germline.
Comment: The VAPB c.476C>G variant is predicted to result in the amino acid substitution p.Ser159Cys. To our knowledge, this variant has not been reported in the literature or in a large population database (gnomAD), indicating this variant is rare. At this time, the clinical significance of this variant is uncertain due to the absence of conclusive functional and genetic evidence.

NM_004738.5(VAPB):c.476C>G (p.Ser159Cys)

Gene: VAPB (VAMP associated protein B and C; plus strand). Cytogenetic location: 20q13.32.
Variant type: single nucleotide variant.
Coding change: c.476C>G on transcript NM_004738.5 (MANE Select); coding-DNA position 476, C replaced by G.
Protein change: p.Ser159Cys; replaces serine 159 with cysteine.
Molecular consequence: missense variant. On other transcripts: non-coding transcript variant (1), intron variant (1).
Genome position (GRCh38, 1-based): chr20:58,440,986, C>G. VCF-style: chr20-58440986-C-G. GRCh37 (hg19) VCF-style: chr20-57016042-C-G.
Other names: c.212-3091C>G (NM_001195677.2); short protein forms S159C.
Identifiers: ClinVar variation 4998411 (VCV004998411.1).